The following is an entry in ClinVar:

ClinVar aggregate classification (germline): Uncertain significance (1 of 4 stars; one submission).

Allele frequency attached by ClinVar (database versions not stated): ExAC 0.00001; gnomAD exomes 0.00002 and 0.00003; gnomAD 0.00004 and 0.00005; TOPMed 0.00009.
gnomAD v4.1: 62 of 1,614,160 alleles (0.0038%); highest among the groups gnomAD compares: Middle Eastern, 0.066%; no homozygotes.

Submission:

Labcorp Genetics (formerly Invitae), Labcorp
Classification: Uncertain significance. Last evaluated: 2021-08-02. Review status: criteria provided, single submitter. Criteria: Invitae Variant Classification Sherloc (09022015). Collection method: clinical testing. Allele origin: germline.
Comment: This sequence change replaces isoleucine with valine at codon 686 of the MAP3K20 protein (p.Ile686Val). The isoleucine residue is weakly conserved and there is a small physicochemical difference between isoleucine and valine. This variant is present in population databases (rs565825340, ExAC 0.006%). This variant has not been reported in the literature in individuals affected with MAP3K20-related conditions. Experimental studies and prediction algorithms are not available or were not evaluated, and the functional significance of this variant is currently unknown. In summary, the available evidence is currently insufficient to determine the role of this variant in disease. Therefore, it has been classified as a Variant of Uncertain Significance.

NM_016653.3(MAP3K20):c.2056A>G (p.Ile686Val)

Genes: MAP3K20 (mitogen-activated protein kinase kinase kinase 20; plus strand), MAP3K20-AS1 (MAP3K20 antisense RNA 1; minus strand). Cytogenetic location: 2q31.1.
Variant type: single nucleotide variant.
Coding change: c.2056A>G on transcript NM_016653.3 (MANE Select); coding-DNA position 2056, A replaced by G.
Protein change: p.Ile686Val; replaces isoleucine 686 with valine.
Molecular consequence: missense variant.
Genome position (GRCh38, 1-based): chr2:173,266,403, A>G. VCF-style: chr2-173266403-A-G. GRCh37 (hg19) VCF-style: chr2-174131131-A-G.
Other names: short protein forms I686V.
Identifiers: ClinVar variation 1439205 (VCV001439205.3), dbSNP rs565825340, ClinGen allele CA1971025.